The following is an entry in ClinVar:

NM_005529.7(HSPG2):c.9327C>T (p.His3109=)

Gene: HSPG2 (heparan sulfate proteoglycan 2; minus strand). Cytogenetic location: 1p36.12.
Variant type: single nucleotide variant.
Coding change: c.9327C>T on transcript NM_005529.7 (MANE Select); coding-DNA position 9327, C replaced by T.
Protein change: p.His3109=; no amino-acid change (histidine 3109 retained).
Molecular consequence: synonymous variant.
Genome position (GRCh38, 1-based): chr1:21,841,540, G>A on the plus strand (C>T on the coding strand, the complement: HSPG2 is on the minus strand). VCF-style: chr1-21841540-G-A. GRCh37 (hg19) VCF-style: chr1-22168033-G-A.
Other names: c.9330C>T, p.His3110= (NM_001291860.2).
Identifiers: ClinVar variation 780222 (VCV000780222.26), dbSNP rs61743674, ClinGen allele CA670489.

ClinVar aggregate classification (germline): Conflicting classifications of pathogenicity. Review status: criteria provided, conflicting classifications (1 of 4 stars). 7 submissions from 6 submitters: Uncertain significance (1); Benign (1); Likely benign (5). Last evaluated 2026-01-17.

Conditions:
Schwartz-Jampel syndrome. Also called: Myotonic myopathy dwarfism chondrodystrophy and ocular and facial abnormalities. Identifiers: Orphanet 800, MedGen C0036391, MONDO:0009717.
Lethal Kniest-like syndrome (DDSH). Also called: Dyssegmental Dysplasia. Identifiers: Orphanet 1865, MedGen C1857100, MONDO:0009140, OMIM 224410.

Allele frequency attached by ClinVar (database versions not stated): gnomAD exomes 0.00023 and 0.00051; ExAC 0.00058; 1000 Genomes Project 0.00180; gnomAD 0.00183 and 0.00195; TOPMed 0.00200; 1000 Genomes Project 30x 0.00203; ESP Exome Variant Server 0.00208.
gnomAD v4.1: 625 of 1,614,232 alleles (0.039%); highest among the groups gnomAD compares: African/African-American, 0.65%; 2 homozygotes.

Submissions (7):

Labcorp Genetics (formerly Invitae), Labcorp
Classification: Likely benign. Last evaluated: 2026-01-17. Review status: criteria provided, single submitter. Criteria: Invitae Variant Classification Sherloc (09022015). Collection method: clinical testing. Allele origin: germline.

Blueprint Genetics
Classification: Likely benign. Last evaluated: 2024-10-11. Review status: criteria provided, single submitter. Criteria: ACMG Guidelines, 2015. Collection method: clinical testing. Allele origin: germline.

ARUP Laboratories, Molecular Genetics and Genomics, ARUP Laboratories
Classification: Benign. Last evaluated: 2021-05-12. Review status: criteria provided, single submitter. Criteria: ARUP Molecular Germline Variant Investigation Process 2021. Collection method: clinical testing. Allele origin: germline.

Revvity Omics, Revvity
Classification: Uncertain significance. Last evaluated: 2019-09-09. Review status: criteria provided, single submitter. Criteria: ACMG Guidelines, 2015. Collection method: clinical testing. Allele origin: germline.

Illumina Laboratory Services, Illumina
Classification: Likely benign for Lethal Kniest-like syndrome. Last evaluated: 2018-01-12. Review status: criteria provided, single submitter. Criteria: ICSL Variant Classification Criteria 13 December 2019. Collection method: clinical testing. Allele origin: germline.
Comment: This variant was observed in the ICSL laboratory as part of a predisposition screen in an ostensibly healthy population. It had not been previously curated by ICSL or reported in the Human Gene Mutation Database (HGMD: prior to June 1st, 2018), and was therefore a candidate for classification through an automated scoring system. Utilizing variant allele frequency, disease prevalence and penetrance estimates, and inheritance mode, an automated score was calculated to assess if this variant is too frequent to cause the disease. Based on the score and internal cut-off values, a variant classified as likely benign is not then subjected to further curation. The score for this variant resulted in a classification of likely benign for this disease.

Illumina Laboratory Services, Illumina
Classification: Likely benign for Schwartz-Jampel syndrome type 1. Last evaluated: 2018-01-12. Review status: criteria provided, single submitter. Criteria: ICSL Variant Classification Criteria 13 December 2019. Collection method: clinical testing. Allele origin: germline.
Comment: the same text as in the submission from Illumina Laboratory Services, Illumina above.

Breakthrough Genomics
Classification: Likely benign. Review status: criteria provided, single submitter. Criteria: ACMG Guidelines, 2015. Collection method: not provided. Allele origin: germline. Inheritance: Autosomal recessive inheritance. Affected: yes.